The following is an entry in ClinVar:

ClinVar aggregate classification (germline): Uncertain significance. Review status: criteria provided, multiple submitters, no conflicts (2 of 4 stars). 2 submissions from 2 submitters: Uncertain significance (2). Last evaluated 2025-09-17.

Conditions:
Hereditary cancer-predisposing syndrome. Also called: Hereditary neoplastic syndrome; Neoplastic Syndromes, Hereditary; Tumor predisposition; Hereditary Cancer Syndrome. Identifiers: Orphanet 140162, MedGen C0027672, MeSH D009386, MONDO:0015356.

Submissions (2):

Ambry Genetics
Classification: Uncertain significance for Hereditary cancer-predisposing syndrome. Last evaluated: 2025-09-17. Review status: criteria provided, single submitter. Criteria: Ambry Variant Classification Scheme 2023. Collection method: clinical testing. Allele origin: germline.
Comment: The p.D139G variant (also known as c.416A>G), located in coding exon 4 of the MITF gene, results from an A to G substitution at nucleotide position 416. The aspartic acid at codon 139 is replaced by glycine, an amino acid with similar properties. This amino acid position is conserved. In addition, the in silico prediction for this alteration is inconclusive. Based on the available evidence, the clinical significance of this variant remains unclear.

GeneDx
Classification: Uncertain significance. Last evaluated: 2020-07-31. Review status: criteria provided, single submitter. Criteria: GeneDx Variant Classification Process June 2021. Collection method: clinical testing. Allele origin: germline. Affected: yes.
Comment: Not observed in large population cohorts (Lek et al., 2016); In silico analysis supports that this missense variant has a deleterious effect on protein structure/function; Has not been previously published as pathogenic or benign to our knowledge

NM_001354604.2(MITF):c.737A>G (p.Asp246Gly)

Gene: MITF (melanocyte inducing transcription factor; plus strand). Cytogenetic location: 3p13.
Variant type: single nucleotide variant.
Coding change: c.737A>G on transcript NM_001354604.2 (MANE Select); coding-DNA position 737, A replaced by G.
Protein change: p.Asp246Gly; replaces aspartic acid 246 with glycine.
Molecular consequence: missense variant.
Genome position (GRCh38, 1-based): chr3:69,941,306, A>G. VCF-style: chr3-69941306-A-G. GRCh37 (hg19) VCF-style: chr3-69990457-A-G.
Other names: c.416A>G, p.Asp139Gly (NM_000248.4, NM_198158.3); c.581A>G, p.Asp194Gly (NM_001184967.2, NM_001354608.2); c.734A>G, p.Asp245Gly (NM_001354605.2, NM_001354606.2, NM_006722.3); c.686A>G, p.Asp229Gly (NM_001354607.2); c.737A>G, p.Asp246Gly (NM_198159.3); c.689A>G, p.Asp230Gly (NM_198177.3); c.248A>G, p.Asp83Gly (NM_198178.3); short protein forms D139G, D194G, D229G, D230G, D245G, D246G, D83G.
Identifiers: ClinVar variation 1313138 (VCV001313138.3), dbSNP rs2107490728, ClinGen allele CA353561173.